The following is an entry in ClinVar:

ClinVar aggregate classification (germline): Uncertain significance (0 of 4 stars; one submission).

Conditions:
SAMD9L-related disorder. Also called: SAMD9L-related condition; SAMD9L-related disorders.

gnomAD v4.1: 8 of 1,613,324 alleles (0.0005%); highest among the groups gnomAD compares: East Asian, 0.016%; no homozygotes.

Submission:

PreventionGenetics, part of Exact Sciences
Classification: Uncertain significance for SAMD9L-related condition. Last evaluated: 2024-03-22. Review status: no assertion criteria provided. Collection method: clinical testing. Allele origin: germline.
Comment: The SAMD9L c.3800G>T variant is predicted to result in the amino acid substitution p.Cys1267Phe. This variant has been reported in an individual with aplastic anemia (Ip et al. 2022. PubMed ID: 36012751). This variant is reported in 0.016% of alleles in individuals of East Asian descent in gnomAD. At this time, the clinical significance of this variant is uncertain due to the absence of conclusive functional and genetic evidence.

NM_152703.5(SAMD9L):c.3800G>T (p.Cys1267Phe)

Gene: SAMD9L (sterile alpha motif domain containing 9 like; minus strand). Cytogenetic location: 7q21.2.
Variant type: single nucleotide variant.
Coding change: c.3800G>T on transcript NM_152703.5 (MANE Select); coding-DNA position 3800, G replaced by T.
Protein change: p.Cys1267Phe; replaces cysteine 1267 with phenylalanine.
Molecular consequence: missense variant.
Genome position (GRCh38, 1-based): chr7:93,132,172, C>A on the plus strand (G>T on the coding strand, the complement: SAMD9L is on the minus strand). VCF-style: chr7-93132172-C-A. GRCh37 (hg19) VCF-style: chr7-92761485-C-A.
Other names: c.3800G>T, p.Cys1267Phe (NM_001303496.3, NM_001303497.3, NM_001303498.3 and 5 more transcripts); short protein forms C1267F.
Identifiers: ClinVar variation 3357629 (VCV003357629.1).